The following is an entry in ClinVar:

NM_000238.4(KCNH2):c.2173C>T (p.Gln725Ter)

Gene: KCNH2 (potassium voltage-gated channel subfamily H member 2; minus strand). Cytogenetic location: 7q36.1.
Variant type: single nucleotide variant.
Coding change: c.2173C>T on transcript NM_000238.4 (MANE Select); coding-DNA position 2173, C replaced by T.
Protein change: p.Gln725Ter; replaces glutamine 725 with a stop codon.
Molecular consequence: nonsense. On other transcripts: non-coding transcript variant (2).
Genome position (GRCh38, 1-based): chr7:150,950,393, G>A on the plus strand (C>T on the coding strand, the complement: KCNH2 is on the minus strand). VCF-style: chr7-150950393-G-A. GRCh37 (hg19) VCF-style: chr7-150647481-G-A.
Other names: c.1153C>T, p.Gln385Ter (NM_001204798.2, NM_172057.3); c.1885C>T, p.Gln629Ter (NM_001406753.1, NM_001406756.1); c.1996C>T, p.Gln666Ter (NM_001406755.1); c.1873C>T, p.Gln625Ter (NM_001406757.1); c.2173C>T, p.Gln725Ter (NM_172056.3); short protein forms Q629*, Q666*, Q725*, Q625*, Q385*.
Identifiers: ClinVar variation 4709556 (VCV004709556.1).

ClinVar aggregate classification (germline): Pathogenic (1 of 4 stars; one submission).

Conditions:
Long QT syndrome (LQTS). Identifiers: MedGen C0023976, MeSH D008133, MONDO:0002442. Disease mechanism: loss of function. Inheritance: Various modes of inheritance.

Submission:

Labcorp Genetics (formerly Invitae), Labcorp
Classification: Pathogenic for Long QT syndrome. Last evaluated: 2025-06-14. Review status: criteria provided, single submitter. Criteria: Invitae Variant Classification Sherloc (09022015). Collection method: clinical testing. Allele origin: germline.
Comment: This sequence change creates a premature translational stop signal (p.Gln725*) in the KCNH2 gene. It is expected to result in an absent or disrupted protein product. Loss-of-function variants in KCNH2 are known to be pathogenic (PMID: 10973849, 19862833). This variant is not present in population databases (gnomAD no frequency). This premature translational stop signal has been observed in individual(s) with long QT syndrome (PMID: 9600240). For these reasons, this variant has been classified as Pathogenic.

Literature cited by the submitters: PubMed 10973849; PubMed 19862833; PubMed 9600240.